The following is an entry in ClinVar:

NM_020745.4(AARS2):c.436-31_436-30insT

Gene: AARS2 (alanyl-tRNA synthetase 2, mitochondrial; minus strand). Cytogenetic location: 6p21.1.
Variant type: Insertion.
Coding change: c.436-31_436-30insT on transcript NM_020745.4 (MANE Select); 31 bases into the intron before coding-DNA position 436 through 30 bases into the intron before coding-DNA position 436, T inserted.
Molecular consequence: intron variant.
Genome position: GRCh38 VCF-style: chr6-44311565-G-GA. GRCh37 (hg19) VCF-style: chr6-44279302-G-GA.
Identifiers: ClinVar variation 671529 (VCV000671529.1), dbSNP rs139386463, ClinGen allele CA3834649.

ClinVar aggregate classification (germline): Benign (1 of 4 stars; one submission).

Allele frequency attached by ClinVar (database versions not stated): 1000 Genomes Project 0.10164; 1000 Genomes Project 30x 0.10197; gnomAD 0.14110 and 0.14245; gnomAD exomes 0.14247 and 0.17078; ExAC 0.14632; ESP Exome Variant Server 0.14843.

Submission:

GeneDx
Classification: Benign. Last evaluated: 2018-06-14. Review status: criteria provided, single submitter. Criteria: GeneDx Variant Classification (06012015). Collection method: clinical testing. Allele origin: germline. Affected: yes.
Comment: This variant is considered likely benign or benign based on one or more of the following criteria: it is a conservative change, it occurs at a poorly conserved position in the protein, it is predicted to be benign by multiple in silico algorithms, and/or has population frequency not consistent with disease.